The following is an entry in ClinVar:

ClinVar aggregate classification (germline): Uncertain significance (1 of 4 stars; one submission).

Submission:

GeneDx
Classification: Uncertain significance. Last evaluated: 2026-09-23. Review status: criteria provided, single submitter. Criteria: GeneDx Variant Classification Process June 2021. Collection method: clinical testing. Allele origin: germline.
Comment: Not observed at significant frequency in large population cohorts (gnomAD); In silico analysis supports that this missense variant has a deleterious effect on protein structure/function; Has not been previously published as pathogenic or benign to our knowledge

NM_004522.3(KIF5C):c.838C>T (p.Arg280Trp)

Gene: KIF5C (kinesin family member 5C; plus strand). Cytogenetic location: 2q23.1.
Variant type: single nucleotide variant.
Coding change: c.838C>T on transcript NM_004522.3 (MANE Select); coding-DNA position 838, C replaced by T.
Protein change: p.Arg280Trp; replaces arginine 280 with tryptophan.
Molecular consequence: missense variant. On other transcripts: non-coding transcript variant (1).
Genome position (GRCh38, 1-based): chr2:148,950,332, C>T. VCF-style: chr2-148950332-C-T. GRCh37 (hg19) VCF-style: chr2-149806846-C-T.
Other names: short protein forms R280W.
Identifiers: ClinVar variation 3906572 (VCV003906572.3).